The following is an entry in ClinVar:

NM_024011.4(CDK11A):c.2047G>A (p.Asp683Asn)

Gene: CDK11A (cyclin dependent kinase 11A; minus strand). Cytogenetic location: 1p36.33.
Variant type: single nucleotide variant.
Coding change: c.2047G>A on transcript NM_024011.4 (MANE Select); coding-DNA position 2047, G replaced by A.
Protein change: p.Asp683Asn; replaces aspartic acid 683 with asparagine.
Molecular consequence: missense variant. On other transcripts: non-coding transcript variant (2).
Genome position (GRCh38, 1-based): chr1:1,703,489, C>T on the plus strand (G>A on the coding strand, the complement: CDK11A is on the minus strand). VCF-style: chr1-1703489-C-T. GRCh37 (hg19) VCF-style: chr1-1634928-C-T.
Other names: c.2056G>A, p.Asp686Asn (NM_001313896.2); c.2044G>A, p.Asp682Asn (NM_001313982.2); c.2017G>A, p.Asp673Asn (NM_033529.4); short protein forms D673N, D682N, D683N, D686N.
Identifiers: ClinVar variation 2638053 (VCV002638053.24), dbSNP rs368698821, ClinGen allele CA529907.
Genomic context (GRCh38, chr1:1,703,489, plus strand): 5'-ACCGCTATGGCTCGGGACCTCCCGCCACCCGGCTGCACTGGGCTCACTTGTTCATGAGGT[C>T]GAAGCCCTGGTCTGAGAGCAGAGCCCCGAAGCGCTTGCGGAGGTTGTTGTAGGGGTGCTC-3'
Protein context (NP_076916.2, residues 673-693): FGALLSDQGF[Asp683Asn]LMNKFLTYFP

ClinVar aggregate classification (germline): Likely benign (1 of 4 stars; one submission).

Allele frequency attached by ClinVar (database versions not stated): 1000 Genomes Project 30x 0.00016; ESP Exome Variant Server 0.00046; TOPMed 0.00053; gnomAD 0.00059; ExAC 0.00088.
gnomAD v4.1: 415 of 1,526,524 alleles (0.027%); highest among the groups gnomAD compares: Admixed American, 0.11%; 19 homozygotes.

Submission:

CeGaT Center for Human Genetics Tuebingen
Classification: Likely benign. Last evaluated: 2023-10-01. Review status: criteria provided, single submitter. Criteria: CeGaT Center For Human Genetics Tuebingen Variant Classification Criteria Version 2. Collection method: clinical testing. Allele origin: germline. Affected: yes. Observed: 1 variant allele.
Comment: CDK11A: BP4, BS2